The following is an entry in ClinVar:

NM_000038.6(APC):c.95ATC[1] (p.His33del)

Gene: APC (APC regulator of Wnt signaling pathway; plus strand). Cytogenetic location: 5q22.2.
Variant type: Microsatellite.
Coding change: c.95ATC[1] on transcript NM_000038.6 (MANE Select); one copy of the 3-base unit ATC starting at c.95; the reference has two copies in a row; one copy, 3 bases deleted.
Protein change: p.His33del; deletes histidine 33.
Molecular consequence: inframe deletion. On other transcripts: 5 prime UTR variant (4), non-coding transcript variant (2), intron variant (11).
Genome position (GRCh38, 1-based): chr5:112,754,988-112,754,990, ATC deleted; deleting any 3 consecutive bases within chr5:112,754,985-112,754,990 gives the same sequence; the position shown is the placement nearest the transcript's 3' end. VCF-style (leftmost placement, unchanged base first): chr5-112754984-AATC-A. GRCh37 (hg19) VCF-style: chr5-112090681-AATC-A.
Other names: c.95ATC[1], p.His33del (NM_001127510.3, NM_001354895.2, NM_001354896.2 and 16 more transcripts); c.-941ATC[1] (NM_001354906.2, NM_001407470.1, NM_001407471.1 and 1 more transcripts); c.166-11338_166-11336del (NM_001407446.1, NM_001354897.2, NM_001354902.2 and 1 more transcripts); c.-42-11338_-42-11336del (NM_001407453.1, NM_001354900.2, NM_001354901.2 and 1 more transcripts); c.61-11338_61-11336del (NM_001407451.1, NM_001354898.2, NM_001354904.2); short protein forms H33del.
Identifiers: ClinVar variation 2715421 (VCV002715421.3), dbSNP rs2532137968, ClinGen allele CA2697546392.

ClinVar aggregate classification (germline): Uncertain significance (1 of 4 stars; one submission).

Conditions:
Familial adenomatous polyposis 1 (FAP1). Also called: FAMILIAL ADENOMATOUS POLYPOSIS 1, ATTENUATED; POLYPOSIS, ADENOMATOUS INTESTINAL. Identifiers: MedGen C2713442, MONDO:0021056, OMIM 175100. Disease mechanism: loss of function.

Submission:

Labcorp Genetics (formerly Invitae), Labcorp
Classification: Uncertain significance for Familial adenomatous polyposis 1. Last evaluated: 2023-06-14. Review status: criteria provided, single submitter. Criteria: Invitae Variant Classification Sherloc (09022015). Collection method: clinical testing. Allele origin: germline.
Comment: Experimental studies and prediction algorithms are not available or were not evaluated, and the functional significance of this variant is currently unknown. In summary, the available evidence is currently insufficient to determine the role of this variant in disease. Therefore, it has been classified as a Variant of Uncertain Significance. This variant has not been reported in the literature in individuals affected with APC-related conditions. This variant is not present in population databases (gnomAD no frequency). This variant, c.98_100del, results in the deletion of 1 amino acid(s) of the APC protein (p.His33del), but otherwise preserves the integrity of the reading frame.